The following is an entry in ClinVar:

NM_016604.4(KDM3B):c.3973-5G>A

Gene: KDM3B (lysine demethylase 3B; plus strand). Cytogenetic location: 5q31.2.
Variant type: single nucleotide variant.
Coding change: c.3973-5G>A on transcript NM_016604.4 (MANE Select); 5 bases into the intron before coding-DNA position 3973, G replaced by A.
Molecular consequence: intron variant.
Genome position (GRCh38, 1-based): chr5:138,424,070, G>A. VCF-style: chr5-138424070-G-A. GRCh37 (hg19) VCF-style: chr5-137759759-G-A.
Identifiers: ClinVar variation 1003360 (VCV001003360.8), dbSNP rs905363646, ClinGen allele CA128178279.
Genomic context (GRCh38, chr5:138,424,070, plus strand): 5'-AGTTTTTTGAATGCCGTTCTCATGGTGCCTCAGTCAAGCTTACCTGGTGGATTTGTGTCT[G>A]GCAGGGAGTGAAGAGCAAGGCCAGCCTACCCAACTTTCTTGACCACATCATTGCCTCAGT-3'

ClinVar aggregate classification (germline): Uncertain significance (1 of 4 stars; one submission).

Allele frequency attached by ClinVar (database versions not stated): TOPMed below 0.00001; gnomAD exomes 0.00001.
gnomAD v4.1: 12 of 1,543,624 alleles (0.00078%); highest among the groups gnomAD compares: Non-Finnish European, 0.0011%; no homozygotes.

Submission:

Labcorp Genetics (formerly Invitae), Labcorp
Classification: Uncertain significance. Last evaluated: 2020-05-19. Review status: criteria provided, single submitter. Criteria: Invitae Variant Classification Sherloc (09022015). Collection method: clinical testing. Allele origin: germline.
Comment: This sequence change falls in intron 15 of the KDM3B gene. It does not directly change the encoded amino acid sequence of the KDM3B protein. In summary, the available evidence is currently insufficient to determine the role of this variant in disease. Therefore, it has been classified as a Variant of Uncertain Significance. Algorithms developed to predict the effect of sequence changes on RNA splicing suggest that this variant may disrupt the consensus splice site, but this prediction has not been confirmed by published transcriptional studies. This variant has not been reported in the literature in individuals with KDM3B-related conditions. This variant is not present in population databases (ExAC no frequency).